The following is an entry in ClinVar:

NM_001378477.3(NYX):c.632A>C (p.Asn211Thr)

Gene: NYX (nyctalopin; plus strand). Cytogenetic location: Xp11.4.
Variant type: single nucleotide variant.
Coding change: c.632A>C on transcript NM_001378477.3 (MANE Select); coding-DNA position 632, A replaced by C.
Protein change: p.Asn211Thr; replaces asparagine 211 with threonine.
Molecular consequence: missense variant.
Genome position (GRCh38, 1-based): chrX:41,474,100, A>C. VCF-style: chrX-41474100-A-C. GRCh37 (hg19) VCF-style: chrX-41333353-A-C.
Other names: c.632A>C, p.Asn211Thr (NM_022567.3); short protein forms N211T.
Identifiers: ClinVar variation 1020592 (VCV001020592.8), dbSNP rs62637029, ClinGen allele CA412990949.

ClinVar aggregate classification (germline): Uncertain significance (1 of 4 stars; one submission).

Submission:

Labcorp Genetics (formerly Invitae), Labcorp
Classification: Uncertain significance. Last evaluated: 2021-03-02. Review status: criteria provided, single submitter. Criteria: Invitae Variant Classification Sherloc (09022015). Collection method: clinical testing. Allele origin: germline.
Comment: The frequency data for this variant in the population databases is considered unreliable, as metrics indicate insufficient coverage at this position in the ExAC database. This sequence change replaces asparagine with threonine at codon 216 of the NYX protein (p.Asn216Thr). The asparagine residue is highly conserved and there is a small physicochemical difference between asparagine and threonine. This variant has not been reported in the literature in individuals with NYX-related conditions. Algorithms developed to predict the effect of missense changes on protein structure and function (SIFT, PolyPhen-2, Align-GVGD) all suggest that this variant is likely to be disruptive, but these predictions have not been confirmed by published functional studies and their clinical significance is uncertain. In summary, the available evidence is currently insufficient to determine the role of this variant in disease. Therefore, it has been classified as a Variant of Uncertain Significance.